The following is an entry in ClinVar:

NM_000059.4(BRCA2):c.3634A>G (p.Asn1212Asp)

Gene: BRCA2 (BRCA2 DNA repair associated; plus strand). Cytogenetic location: 13q13.1.
Variant type: single nucleotide variant.
Coding change: c.3634A>G on transcript NM_000059.4 (MANE Select); coding-DNA position 3634, A replaced by G.
Protein change: p.Asn1212Asp; replaces asparagine 1212 with aspartic acid.
Molecular consequence: missense variant.
Genome position (GRCh38, 1-based): chr13:32,337,989, A>G. VCF-style: chr13-32337989-A-G. GRCh37 (hg19) VCF-style: chr13-32912126-A-G.
Other names: short protein forms N1212D.
Identifiers: ClinVar variation 955260 (VCV000955260.16), dbSNP rs2072485059, ClinGen allele CA387777918.
Genomic context (GRCh38, chr13:32,337,989, plus strand): 5'-TTTGCTGGCCTGTTGAAAAATGACTGTAACAAAAGTGCTTCTGGTTATTTAACAGATGAA[A>G]ATGAAGTGGGGTTTAGGGGCTTTTATTCTGCTCATGGCACAAAACTGAATGTTTCTACTG-3'
Protein context (NP_000050.3, residues 1202-1222): KSASGYLTDE[Asn1212Asp]EVGFRGFYSA

ClinVar aggregate classification (germline): Conflicting classifications of pathogenicity. Review status: criteria provided, conflicting classifications (1 of 4 stars). 4 submissions from 4 submitters: Uncertain significance (3); Likely benign (1). Last evaluated 2026-05-15.

Conditions:
Hereditary cancer-predisposing syndrome. Also called: Hereditary Cancer Syndrome; Neoplastic Syndromes, Hereditary; Tumor predisposition; Hereditary neoplastic syndrome. Identifiers: Orphanet 140162, MedGen C0027672, MeSH D009386, MONDO:0015356.
Hereditary breast ovarian cancer syndrome. Also called: Hereditary breast and ovarian cancer syndrome (HBOC); Hereditary breast and/or ovarian cancer syndrome; BRCA1- and BRCA2-Associated Hereditary Breast and Ovarian Cancer; Hereditary breast and ovarian cancer; Breast and ovarian cancer; Hereditary breast and ovarian cancer syndrome. Identifiers: Orphanet 145, MedGen C0677776, MeSH D061325, MONDO:0003582. Disease mechanism: loss of function.

Submissions (4):

Ambry Genetics
Classification: Uncertain significance for Hereditary cancer-predisposing syndrome. Last evaluated: 2026-05-15. Review status: criteria provided, single submitter. Criteria: Ambry Variant Classification Scheme 2023. Collection method: clinical testing. Allele origin: germline.
Comment: The p.N1212D variant (also known as c.3634A>G), located in coding exon 10 of the BRCA2 gene, results from an A to G substitution at nucleotide position 3634. The asparagine at codon 1212 is replaced by aspartic acid, an amino acid with highly similar properties. This amino acid position is not well conserved in available vertebrate species. In addition, this alteration is predicted to be tolerated by in silico analysis. Based on the available evidence, the clinical significance of this variant remains unclear.

GeneDx
Classification: Uncertain significance. Last evaluated: 2025-01-29. Review status: criteria provided, single submitter. Criteria: GeneDx Variant Classification Process June 2021. Collection method: clinical testing. Allele origin: germline. Affected: yes.
Comment: Not observed at significant frequency in large population cohorts (gnomAD); In silico analysis supports that this missense variant has a deleterious effect on protein structure/function; Has not been previously published as pathogenic or benign to our knowledge; Also known as 3862A>G

University of Washington Department of Laboratory Medicine, University of Washington
Classification: Likely benign for Hereditary cancer-predisposing syndrome. Last evaluated: 2023-03-23. Review status: criteria provided, single submitter. Criteria: Dines et al. (Genet Med. 2020). Collection method: curation. Allele origin: germline.
Comment: Missense variant in a coldspot region where missense variants are very unlikely to be pathogenic (PMID:31911673).

BRCA2 exon 11 coldspot. Reclassification based on statistical prior probability.

Labcorp Genetics (formerly Invitae), Labcorp
Classification: Uncertain significance for Hereditary breast ovarian cancer syndrome. Last evaluated: 2022-02-19. Review status: criteria provided, single submitter. Criteria: Invitae Variant Classification Sherloc (09022015). Collection method: clinical testing. Allele origin: germline.
Comment: Advanced modeling of protein sequence and biophysical properties (such as structural, functional, and spatial information, amino acid conservation, physicochemical variation, residue mobility, and thermodynamic stability) performed at Invitae indicates that this missense variant is not expected to disrupt BRCA2 protein function. This sequence change replaces asparagine, which is neutral and polar, with aspartic acid, which is acidic and polar, at codon 1212 of the BRCA2 protein (p.Asn1212Asp). This variant is not present in population databases (gnomAD no frequency). This variant has not been reported in the literature in individuals affected with BRCA2-related conditions. ClinVar contains an entry for this variant (Variation ID: 955260). In summary, the available evidence is currently insufficient to determine the role of this variant in disease. Therefore, it has been classified as a Variant of Uncertain Significance.